The following is an entry in ClinVar:

NM_052947.4(ALPK2):c.1541C>T (p.Thr514Met)

Gene: ALPK2 (alpha kinase 2; minus strand). Cytogenetic location: 18q21.31.
Variant type: single nucleotide variant.
Coding change: c.1541C>T on transcript NM_052947.4 (MANE Select); coding-DNA position 1541, C replaced by T.
Protein change: p.Thr514Met; replaces threonine 514 with methionine.
Molecular consequence: missense variant.
Genome position (GRCh38, 1-based): chr18:58,579,235, G>A on the plus strand (C>T on the coding strand, the complement: ALPK2 is on the minus strand). VCF-style: chr18-58579235-G-A. GRCh37 (hg19) VCF-style: chr18-56246467-G-A.
Other names: short protein forms T514M.
Identifiers: ClinVar variation 1774856 (VCV001774856.3), dbSNP rs142220132, ClinGen allele CA8977235.
Genomic context (GRCh38, chr18:58,579,235, plus strand): 5'-GATTTCCTTGAACCCCTCTTGCTCCATAAGTCCTTTCCCCCCACTCTCTTGTCAGCTGCC[G>A]TCTCCCAACACTGGCTCATCCCTGAGTTTTCTGACTCACCAGACAAGAGCTTCATCTCTG-3'
Protein context (NP_443179.3, residues 504-524): ENSGMSQCWE[Thr514Met]AADKRVGGKD

ClinVar aggregate classification (germline): Uncertain significance (1 of 4 stars; one submission).

Allele frequency attached by ClinVar (database versions not stated): ExAC 0.00003; gnomAD 0.00003; TOPMed 0.00003; gnomAD exomes 0.00007; ESP Exome Variant Server 0.00008.
gnomAD v4.1: 110 of 1,613,758 alleles (0.0068%); highest among the groups gnomAD compares: Non-Finnish European, 0.0091%; no homozygotes.

Submission:

Ambry Genetics
Classification: Uncertain significance. Last evaluated: 2023-07-27. Review status: criteria provided, single submitter. Criteria: Ambry Variant Classification Scheme 2023. Collection method: clinical testing. Allele origin: germline.
Comment: The p.T514M variant (also known as c.1541C>T), located in coding exon 3 of the ALPK2 gene, results from a C to T substitution at nucleotide position 1541. The threonine at codon 514 is replaced by methionine, an amino acid with similar properties. This amino acid position is conserved. In addition, this alteration is predicted to be tolerated by in silico analysis. Since supporting evidence is limited at this time, the clinical significance of this alteration remains unclear.